The following is an entry in ClinVar:

NM_004281.4(BAG3):c.-18G>A

Gene: BAG3 (BAG cochaperone 3; plus strand). Cytogenetic location: 10q26.11.
Variant type: single nucleotide variant.
Coding change: c.-18G>A on transcript NM_004281.4 (MANE Select); 18 bases upstream of the start codon, G replaced by A.
Molecular consequence: 5 prime UTR variant.
Genome position (GRCh38, 1-based): chr10:119,651,658, G>A. VCF-style: chr10-119651658-G-A. GRCh37 (hg19) VCF-style: chr10-121411170-G-A.
Identifiers: ClinVar variation 510492 (VCV000510492.6), dbSNP rs754210695, ClinGen allele CA5716198.
Genomic context (GRCh38, chr10:119,651,658, plus strand): 5'-GCGGCGGCCCGGCCAGAGACTCGGCGCCCGGAGCCAGCGCCCCGCACCCGCGCCCCAGCG[G>A]GCAGACCCCAACCCAGCATGAGCGCCGCCACCCACTCGCCCATGATGCAGGTGGCGTCCG-3'

ClinVar aggregate classification (germline): Conflicting classifications of pathogenicity. Review status: criteria provided, conflicting classifications (1 of 4 stars). 4 submissions from 3 submitters: Uncertain significance (1); Likely benign (3). Last evaluated 2023-09-14.

Conditions:
Dilated cardiomyopathy 1HH (CMD1HH). Identifiers: Orphanet 154, MedGen C3151293, MONDO:0013479, OMIM 613881.
Myofibrillar myopathy 6. Identifiers: Orphanet 199340, MedGen C2751831, MONDO:0013061, OMIM 612954.

Allele frequency attached by ClinVar (database versions not stated): gnomAD exomes 0.00004 and 0.00016; ExAC 0.00006; gnomAD 0.00006; TOPMed 0.00006.
gnomAD v4.1: 230 of 1,545,974 alleles (0.015%); highest among the groups gnomAD compares: Non-Finnish European, 0.019%; no homozygotes.

Submissions (4):

Blueprint Genetics
Classification: Likely benign. Last evaluated: 2023-09-14. Review status: criteria provided, single submitter. Criteria: ACMG Guidelines, 2015. Collection method: clinical testing. Allele origin: germline.

Illumina Laboratory Services, Illumina
Classification: Likely benign for Myofibrillar myopathy 6. Last evaluated: 2018-01-13. Review status: criteria provided, single submitter. Criteria: ICSL Variant Classification Criteria 13 December 2019. Collection method: clinical testing. Allele origin: germline.
Comment: This variant was observed in the ICSL laboratory as part of a predisposition screen in an ostensibly healthy population. It had not been previously curated by ICSL or reported in the Human Gene Mutation Database (HGMD: prior to June 1st, 2018), and was therefore a candidate for classification through an automated scoring system. Utilizing variant allele frequency, disease prevalence and penetrance estimates, and inheritance mode, an automated score was calculated to assess if this variant is too frequent to cause the disease. Based on the score and internal cut-off values, a variant classified as likely benign is not then subjected to further curation. The score for this variant resulted in a classification of likely benign for this disease.

Illumina Laboratory Services, Illumina
Classification: Uncertain significance for Dilated cardiomyopathy 1HH. Last evaluated: 2018-01-13. Review status: criteria provided, single submitter. Criteria: ICSL Variant Classification Criteria 13 December 2019. Collection method: clinical testing. Allele origin: germline.

GeneDx
Classification: Likely benign. Last evaluated: 2017-07-03. Review status: criteria provided, single submitter. Criteria: GeneDx Variant Classification (06012015). Collection method: clinical testing. Allele origin: germline. Affected: yes.
Comment: This variant is considered likely benign or benign based on one or more of the following criteria: it is a conservative change, it occurs at a poorly conserved position in the protein, it is predicted to be benign by multiple in silico algorithms, and/or has population frequency not consistent with disease.